The following is an entry in ClinVar:

ClinVar aggregate classification (germline): Likely pathogenic (1 of 4 stars; one submission).

Conditions:
Cystic fibrosis (CF). Also called: MUCOVISCIDOSIS. Identifiers: Orphanet 586, MedGen C0010674, MONDO:0009061, OMIM 219700. Disease mechanism: loss of function.

Submission:

Myriad Genetics, Inc.
Classification: Likely pathogenic for Cystic fibrosis. Last evaluated: 2020-01-01. Review status: criteria provided, single submitter. Criteria: Myriad Women's Health Autosomal Recessive and X-Linked Classification Criteria (2019). Collection method: clinical testing. Allele origin: unknown.
Comment: NM_000492.3(CFTR):c.1447A>T(K483*) is expected to be pathogenic in the context of cystic fibrosis. This variant is predicted to lead to an abnormal or absent protein product due to the creation of a premature termination codon in CFTR, a gene where loss-of-function variants are known to be pathogenic. Please note: this variant was assessed in the context of healthy population screening.

NM_000492.4(CFTR):c.1447A>T (p.Lys483Ter)

Genes: CFTR-AS1 (CFTR antisense RNA 1; minus strand), CFTR (CF transmembrane conductance regulator; plus strand). Cytogenetic location: 7q31.2.
Variant type: single nucleotide variant.
Coding change: c.1447A>T on transcript NM_000492.4 (MANE Select); coding-DNA position 1447, A replaced by T.
Protein change: p.Lys483Ter; replaces lysine 483 with a stop codon.
Molecular consequence: nonsense.
Genome position (GRCh38, 1-based): chr7:117,559,518, A>T. VCF-style: chr7-117559518-A-T. GRCh37 (hg19) VCF-style: chr7-117199572-A-T.
Other names: short protein forms K483*.
Identifiers: ClinVar variation 984345 (VCV000984345.3), dbSNP rs1799418948, ClinGen allele CA368984445.